The following is an entry in ClinVar:

NM_001243177.4(ALDOA):c.733A>G (p.Ile245Val)

Genes: ALDOA (aldolase, fructose-bisphosphate A; plus strand), LOC112694756 (uncharaterized LOC112694756; plus strand). Cytogenetic location: 16p11.2.
Variant type: single nucleotide variant.
Coding change: c.733A>G on transcript NM_001243177.4 (MANE Select); coding-DNA position 733, A replaced by G.
Protein change: p.Ile245Val; replaces isoleucine 245 with valine.
Molecular consequence: missense variant. On other transcripts: 3 prime UTR variant (3).
Genome position (GRCh38, 1-based): chr16:30,069,336, A>G. VCF-style: chr16-30069336-A-G. GRCh37 (hg19) VCF-style: chr16-30080657-A-G.
Other names: c.*1080A>G (NM_001365304.2, NM_001365305.2, NM_001365307.2); c.571A>G, p.Ile191Val (NM_001127617.2, NM_184041.5, NM_184043.2); short protein forms I191V, I245V.
Identifiers: ClinVar variation 1964812 (VCV001964812.5), dbSNP rs1239332534, ClinGen allele CA395490988.
Genomic context (GRCh38, chr16:30,069,336, plus strand): 5'-CTCACAGTGACCCTGTCCCTCGCCCTGCAGAATGGCATTGTGCCCATCGTGGAGCCTGAG[A>G]TCCTCCCTGATGGGGACCATGACTTGAAGCGCTGCCAGTATGTGACCGAGAAGGTAAATG-3'
Protein context (NP_001230106.1, residues 235-255): NGIVPIVEPE[Ile245Val]LPDGDHDLKR

ClinVar aggregate classification (germline): Uncertain significance (1 of 4 stars; one submission).

Conditions:
HNSHA due to aldolase A deficiency (GSD12). Also called: GLYCOGEN STORAGE DISEASE XII; GSD XII; RED CELL ALDOLASE DEFICIENCY; Glycogen storage disease due to aldolase A deficiency. Identifiers: Orphanet 57, MedGen C0272066, MONDO:0012747, OMIM 611881.

Allele frequency attached by ClinVar (database versions not stated): gnomAD exomes 0.00001; gnomAD 0.00006.
gnomAD v4.1: 12 of 1,613,938 alleles (0.00074%); highest among the groups gnomAD compares: Admixed American, 0.02%; no homozygotes.

Submission:

Labcorp Genetics (formerly Invitae), Labcorp
Classification: Uncertain significance for HNSHA due to aldolase A deficiency. Last evaluated: 2022-05-08. Review status: criteria provided, single submitter. Criteria: Invitae Variant Classification Sherloc (09022015). Collection method: clinical testing. Allele origin: germline.
Comment: In summary, the available evidence is currently insufficient to determine the role of this variant in disease. Therefore, it has been classified as a Variant of Uncertain Significance. Algorithms developed to predict the effect of missense changes on protein structure and function (SIFT, PolyPhen-2, Align-GVGD) all suggest that this variant is likely to be tolerated. This variant has not been reported in the literature in individuals affected with ALDOA-related conditions. This variant is present in population databases (no rsID available, gnomAD 0.009%). This sequence change replaces isoleucine, which is neutral and non-polar, with valine, which is neutral and non-polar, at codon 191 of the ALDOA protein (p.Ile191Val).